The following is an entry in ClinVar:

NM_000130.5(F5):c.4844A>G (p.Tyr1615Cys)

Gene: F5 (coagulation factor V; minus strand). Cytogenetic location: 1q24.2.
Variant type: single nucleotide variant.
Coding change: c.4844A>G on transcript NM_000130.5 (MANE Select); coding-DNA position 4844, A replaced by G.
Protein change: p.Tyr1615Cys; replaces tyrosine 1615 with cysteine.
Molecular consequence: missense variant.
Genome position (GRCh38, 1-based): chr1:169,536,633, T>C on the plus strand (A>G on the coding strand, the complement: F5 is on the minus strand). VCF-style: chr1-169536633-T-C. GRCh37 (hg19) VCF-style: chr1-169505871-T-C.
Other names: short protein forms Y1615C.
Identifiers: ClinVar variation 2572094 (VCV002572094.1), dbSNP rs755533777, ClinGen allele CA1233628.

ClinVar aggregate classification (germline): Uncertain significance (1 of 4 stars; one submission).

Conditions:
Hemorrhage. Identifiers: MedGen C0019080, MeSH D006470.

Allele frequency attached by ClinVar (database versions not stated): TOPMed below 0.00001; gnomAD exomes 0.00001; ExAC 0.00002; gnomAD 0.00003.
gnomAD v4.1: 17 of 1,613,000 alleles (0.0011%); highest among the groups gnomAD compares: East Asian, 0.0045%; no homozygotes.

Submission:

ISTH-SSC Genomics in Thrombosis and Hemostasis, KU Leuven, Center for Molecular and Vascular Biology
Classification: Uncertain significance for Hemorrhage. Review status: criteria provided, single submitter. Criteria: ACMG Guidelines, 2015. Collection method: clinical testing. Allele origin: germline. Affected: yes. Observed: 1 heterozygote.
Comment: Submitted to the GoldVariant database by Kathleen Freson, Center for Molecular and Vascular Biology